The following is an entry in ClinVar:

NM_015214.3(DDHD2):c.2019G>C (p.Glu673Asp)

Gene: DDHD2 (DDHD domain containing 2; plus strand). Cytogenetic location: 8p11.23.
Variant type: single nucleotide variant.
Coding change: c.2019G>C on transcript NM_015214.3 (MANE Select); coding-DNA position 2019, G replaced by C.
Protein change: p.Glu673Asp; replaces glutamic acid 673 with aspartic acid.
Molecular consequence: missense variant. On other transcripts: non-coding transcript variant (2).
Genome position (GRCh38, 1-based): chr8:38,253,683, G>C. VCF-style: chr8-38253683-G-C. GRCh37 (hg19) VCF-style: chr8-38111201-G-C.
Other names: c.2019G>C, p.Glu673Asp (NM_001164232.2, NM_001362911.2, NM_001362912.2 and 1 more transcripts); c.1929G>C, p.Glu643Asp (NM_001362913.2); short protein forms E643D, E673D.
Identifiers: ClinVar variation 1416457 (VCV001416457.3), dbSNP rs997716780, ClinGen allele CA175077685.
Genomic context (GRCh38, chr8:38,253,683, plus strand): 5'-GAATGGAGGCCAACGCATTGACTATGTGCTACAGGAGAAGCCTATTGAAAGTTTTAATGA[G>C]TATTTATTTGCTTTACAAAGCCATCTATGCTACTGGTAAATGTTGTTTATTTTTGTCTGT-3'
Protein context (NP_056029.2, residues 663-683): LQEKPIESFN[Glu673Asp]YLFALQSHLC

ClinVar aggregate classification (germline): Uncertain significance (1 of 4 stars; one submission).

Conditions:
Hereditary spastic paraplegia 54. Also called: Spastic paraplegia 54, autosomal recessive. Identifiers: Orphanet 320380, MedGen C3539495, MONDO:0014018, OMIM 615033.

Allele frequency attached by ClinVar (database versions not stated): gnomAD 0.00001; TOPMed 0.00002; gnomAD exomes 0.00003.
gnomAD v4.1: 38 of 1,613,930 alleles (0.0024%); highest among the groups gnomAD compares: Non-Finnish European, 0.0032%; no homozygotes.

Submission:

Labcorp Genetics (formerly Invitae), Labcorp
Classification: Uncertain significance for Hereditary spastic paraplegia 54. Last evaluated: 2021-08-01. Review status: criteria provided, single submitter. Criteria: Invitae Variant Classification Sherloc (09022015). Collection method: clinical testing. Allele origin: germline.
Comment: This sequence change replaces glutamic acid with aspartic acid at codon 673 of the DDHD2 protein (p.Glu673Asp). The glutamic acid residue is highly conserved and there is a small physicochemical difference between glutamic acid and aspartic acid. This variant is not present in population databases (ExAC no frequency). This variant has not been reported in the literature in individuals affected with DDHD2-related conditions. Algorithms developed to predict the effect of missense changes on protein structure and function are either unavailable or do not agree on the potential impact of this missense change (SIFT: "Tolerated"; PolyPhen-2: "Probably Damaging"; Align-GVGD: "Class C0"). In summary, the available evidence is currently insufficient to determine the role of this variant in disease. Therefore, it has been classified as a Variant of Uncertain Significance.